The following is an entry in ClinVar:

ClinVar aggregate classification (germline): Likely benign (0 of 4 stars; one submission).

Conditions:
NSDHL-related disorder. Also called: NSDHL-Related Disorders; NSDHL-related condition. Identifiers: MedGen CN381535.

Submission:

PreventionGenetics, part of Exact Sciences
Classification: Likely benign for NSDHL-related condition. Last evaluated: 2023-02-04. Review status: no assertion criteria provided. Collection method: clinical testing. Allele origin: germline.
Comment: This variant is classified as likely benign based on ACMG/AMP sequence variant interpretation guidelines (Richards et al. 2015 PMID: 25741868, with internal and published modifications).

NM_015922.3(NSDHL):c.6A>G (p.Glu2=)

Gene: NSDHL (NAD(P) dependent 3-beta-hydroxysteroid dehydrogenase NSDHL; plus strand). Cytogenetic location: Xq28.
Variant type: single nucleotide variant.
Coding change: c.6A>G on transcript NM_015922.3 (MANE Select); coding-DNA position 6, A replaced by G.
Protein change: p.Glu2=; no amino-acid change (glutamic acid 2 retained).
Molecular consequence: synonymous variant.
Genome position (GRCh38, 1-based): chrX:152,846,330, A>G. VCF-style: chrX-152846330-A-G. GRCh37 (hg19) VCF-style: chrX-152014874-A-G.
Other names: c.6A>G, p.Glu2= (NM_001129765.2).
Identifiers: ClinVar variation 3044975 (VCV003044975.2), dbSNP rs2521758669, ClinGen allele CA519151489.